The following is an entry in ClinVar:

NM_000399.5(EGR2):c.1066G>A (p.Glu356Lys)

Gene: EGR2 (early growth response 2; minus strand). Cytogenetic location: 10q21.3.
Variant type: single nucleotide variant.
Coding change: c.1066G>A on transcript NM_000399.5 (MANE Select); coding-DNA position 1066, G replaced by A.
Protein change: p.Glu356Lys; replaces glutamic acid 356 with lysine.
Molecular consequence: missense variant.
Genome position (GRCh38, 1-based): chr10:62,813,572, C>T on the plus strand (G>A on the coding strand, the complement: EGR2 is on the minus strand). VCF-style: chr10-62813572-C-T. GRCh37 (hg19) VCF-style: chr10-64573332-C-T.
Other names: c.1066G>A, p.Glu356Lys (NM_001136177.3, NM_001136178.2); c.916G>A, p.Glu306Lys (NM_001136179.3, NM_001321037.2); short protein forms E356K, E306K.
Identifiers: ClinVar variation 577101 (VCV000577101.13), dbSNP rs751448371, ClinGen allele CA5517178.

ClinVar aggregate classification (germline): Pathogenic. Review status: criteria provided, multiple submitters, no conflicts (2 of 4 stars). 2 submissions from 2 submitters: Pathogenic (2). Last evaluated 2026-01-15.
ClinVar aggregate classification (oncogenicity): Uncertain significance (1 of 4 stars; one submission).

Conditions:
Charcot-Marie-Tooth disease, type I (CMT1). Also called: Charcot-Marie-Tooth, Type 1; Charcot-Marie-Tooth disease type 1. Identifiers: Orphanet 65753, MedGen C0751036, MONDO:0019011.
Neoplasm. Also called: tumor; Neoplasms; Neoplasm (disease). Identifiers: MedGen C0027651, MeSH D009369, MONDO:0005070, HP:0002664.

Allele frequency attached by ClinVar (database versions not stated): ExAC 0.00001.

Submissions (3):

Labcorp Genetics (formerly Invitae), Labcorp
Classification: Pathogenic for Charcot-Marie-Tooth disease, type I. Last evaluated: 2026-01-15. Review status: criteria provided, single submitter. Criteria: Invitae Variant Classification Sherloc (09022015). Collection method: clinical testing. Allele origin: germline.
Comment: This sequence change replaces glutamic acid, which is acidic and polar, with lysine, which is basic and polar, at codon 356 of the EGR2 protein (p.Glu356Lys). This variant is not present in population databases (gnomAD no frequency). This missense change has been observed in individual(s) with autosomal dominant Charcot-Marie-Tooth disease (PMID: 31211173, 34255403; internal data). In at least one individual the variant was observed to be de novo. ClinVar contains an entry for this variant (Variation ID: 577101). Invitae Evidence Modeling of protein sequence and biophysical properties (such as structural, functional, and spatial information, amino acid conservation, physicochemical variation, residue mobility, and thermodynamic stability) indicates that this missense variant is expected to disrupt EGR2 protein function with a positive predictive value of 80%. For these reasons, this variant has been classified as Pathogenic.

Center for Genomic Medicine, Rigshospitalet, Copenhagen University Hospital
Classification: Uncertain significance for Neoplasm. Last evaluated: 2025-03-04. Review status: criteria provided, single submitter. Criteria: ClinGen/CGC/VICC Guidelines for Oncogenicity, 2022. Collection method: clinical testing. Allele origin: somatic. Affected: yes.

GeneDx
Classification: Pathogenic. Last evaluated: 2019-06-28. Review status: criteria provided, single submitter. Criteria: GeneDx Variant Classification Process June 2021. Collection method: clinical testing. Allele origin: germline. Affected: yes.
Comment: Not observed in large population cohorts (Lek et al., 2016); In silico analysis, which includes protein predictors and evolutionary conservation, supports a deleterious effect; This variant is associated with the following publications: (PMID: 31211173)

Literature cited by the submitters: PubMed 31211173 (cited by Labcorp Genetics (formerly Invitae), Labcorp); PubMed 34255403 (cited by Labcorp Genetics (formerly Invitae), Labcorp).